The following is an entry in ClinVar:

NM_003036.4(SKI):c.36G>C (p.Gln12His)

Gene: SKI (SKI proto-oncogene; plus strand). Cytogenetic location: 1p36.33.
Variant type: single nucleotide variant.
Coding change: c.36G>C on transcript NM_003036.4 (MANE Select); coding-DNA position 36, G replaced by C.
Protein change: p.Gln12His; replaces glutamine 12 with histidine.
Molecular consequence: missense variant.
Genome position (GRCh38, 1-based): chr1:2,228,802, G>C. VCF-style: chr1-2228802-G-C. GRCh37 (hg19) VCF-style: chr1-2160241-G-C.
Other names: c.36G>C (NM_003036.3); short protein forms Q12H.
Identifiers: ClinVar variation 2788720 (VCV002788720.4), dbSNP rs1372935125, ClinGen allele CA337951950.

ClinVar aggregate classification (germline): Uncertain significance. Review status: criteria provided, multiple submitters, no conflicts (2 of 4 stars). 2 submissions from 2 submitters: Uncertain significance (2). Last evaluated 2024-03-14.

Conditions:
Familial thoracic aortic aneurysm and aortic dissection (TAAD). Also called: Thoracic aortic aneurysms and dissections. Identifiers: Orphanet 91387, MedGen C4707243, MONDO:0019625.
Shprintzen-Goldberg syndrome (SGS). Also called: Marfanoid disorder with craniosynostosis type 1; Marfanoid craniosynostosis syndrome; Shprintzen-Goldberg marfanoid syndrome; SHPRINTZEN-GOLDBERG CRANIOSYNOSTOSIS SYNDROME; CRANIOSYNOSTOSIS WITH ARACHNODACTYLY AND ABDOMINAL HERNIAS. Identifiers: Orphanet 2462, MedGen C1321551, MONDO:0008426, OMIM 182212.

Submissions (2):

Ambry Genetics
Classification: Uncertain significance for Familial thoracic aortic aneurysm and aortic dissection. Last evaluated: 2024-03-14. Review status: criteria provided, single submitter. Criteria: Ambry Variant Classification Scheme 2023. Collection method: clinical testing. Allele origin: germline.
Comment: The p.Q12H variant (also known as c.36G>C), located in coding exon 1 of the SKI gene, results from a G to C substitution at nucleotide position 36. The glutamine at codon 12 is replaced by histidine, an amino acid with highly similar properties. This amino acid position is conserved. In addition, the in silico prediction for this alteration is inconclusive. Based on the available evidence, the clinical significance of this alteration remains unclear.

Labcorp Genetics (formerly Invitae), Labcorp
Classification: Uncertain significance for Shprintzen-Goldberg syndrome. Last evaluated: 2024-02-14. Review status: criteria provided, single submitter. Criteria: Invitae Variant Classification Sherloc (09022015). Collection method: clinical testing. Allele origin: germline.
Comment: This sequence change replaces glutamine, which is neutral and polar, with histidine, which is basic and polar, at codon 12 of the SKI protein (p.Gln12His). This variant is not present in population databases (gnomAD no frequency). This variant has not been reported in the literature in individuals affected with SKI-related conditions. Advanced modeling of protein sequence and biophysical properties (such as structural, functional, and spatial information, amino acid conservation, physicochemical variation, residue mobility, and thermodynamic stability) has been performed at Invitae for this missense variant, however the output from this modeling did not meet the statistical confidence thresholds required to predict the impact of this variant on SKI protein function. In summary, the available evidence is currently insufficient to determine the role of this variant in disease. Therefore, it has been classified as a Variant of Uncertain Significance.